The following is an entry in ClinVar:

ClinVar aggregate classification (germline): Uncertain significance (1 of 4 stars; one submission).

Conditions:
Aicardi-Goutieres syndrome 7 (AGS7). Identifiers: Orphanet 51, MedGen C3888244, MONDO:0014367, OMIM 615846.
Singleton-Merten syndrome 1 (SGMRT1). Also called: Widened medullary cavities of bone, aortic calcification, abnormal dentition, and muscular weakness; Syndrome of widened medullary cavities of the metacarpals and phalanges, aortic calcification and abnormal dentition. Identifiers: Orphanet 85191, MedGen C4225427, MONDO:0024535, OMIM 182250.

Allele frequency attached by ClinVar (database versions not stated): gnomAD exomes below 0.00001.
gnomAD v4.1: 1 of 1,613,406 alleles (0.000062%); highest among the groups gnomAD compares: Non-Finnish European, 0.000085%; no homozygotes.

Submission:

Labcorp Genetics (formerly Invitae), Labcorp
Classification: Uncertain significance for Aicardi-Goutieres syndrome 7; Singleton-Merten syndrome 1. Last evaluated: 2023-03-30. Review status: criteria provided, single submitter. Criteria: Invitae Variant Classification Sherloc (09022015). Collection method: clinical testing. Allele origin: germline.
Comment: In summary, the available evidence is currently insufficient to determine the role of this variant in disease. Therefore, it has been classified as a Variant of Uncertain Significance. Algorithms developed to predict the effect of missense changes on protein structure and function output the following: SIFT: "Not Available"; PolyPhen-2: "Benign"; Align-GVGD: "Not Available". The threonine amino acid residue is found in multiple mammalian species, which suggests that this missense change does not adversely affect protein function. This variant has not been reported in the literature in individuals affected with IFIH1-related conditions. This variant is not present in population databases (gnomAD no frequency). This sequence change replaces alanine, which is neutral and non-polar, with threonine, which is neutral and polar, at codon 180 of the IFIH1 protein (p.Ala180Thr).

NM_022168.4(IFIH1):c.538G>A (p.Ala180Thr)

Gene: IFIH1 (interferon induced with helicase C domain 1; minus strand). Cytogenetic location: 2q24.2.
Variant type: single nucleotide variant.
Coding change: c.538G>A on transcript NM_022168.4 (MANE Select); coding-DNA position 538, G replaced by A.
Protein change: p.Ala180Thr; replaces alanine 180 with threonine.
Molecular consequence: missense variant.
Genome position (GRCh38, 1-based): chr2:162,310,849, C>T on the plus strand (G>A on the coding strand, the complement: IFIH1 is on the minus strand). VCF-style: chr2-162310849-C-T. GRCh37 (hg19) VCF-style: chr2-163167359-C-T.
Other names: short protein forms A180T.
Identifiers: ClinVar variation 2945982 (VCV002945982.3), dbSNP rs2468997048, ClinGen allele CA349011224.